The following is an entry in ClinVar:

NM_025233.7(COASY):c.1009C>T (p.Arg337Cys)

Gene: COASY (Coenzyme A synthase; plus strand). Cytogenetic location: 17q21.2.
Variant type: single nucleotide variant.
Coding change: c.1009C>T on transcript NM_025233.7 (MANE Select); coding-DNA position 1009, C replaced by T.
Protein change: p.Arg337Cys; replaces arginine 337 with cysteine.
Molecular consequence: missense variant.
Genome position (GRCh38, 1-based): chr17:42,564,539, C>T. VCF-style: chr17-42564539-C-T. GRCh37 (hg19) VCF-style: chr17-40716557-C-T.
Other names: c.1009C>T, p.Arg337Cys (NM_001042529.3); c.1096C>T, p.Arg366Cys (NM_001042532.4); c.1096C>T (NM_001042532.2); c.1009C>T (NM_025233.6); short protein forms R366C, R337C.
Identifiers: ClinVar variation 2010444 (VCV002010444.5), dbSNP rs774485077, ClinGen allele CA8578164.

ClinVar aggregate classification (germline): Uncertain significance. Review status: criteria provided, multiple submitters, no conflicts (2 of 4 stars). 3 submissions from 3 submitters: Uncertain significance (3). Last evaluated 2024-03-27.

Conditions:
Neurodegeneration with brain iron accumulation 6 (NBIA6). Also called: COASY protein-associated neurodegeneration. Identifiers: Orphanet 397725, MedGen C4517377, MONDO:0014290, OMIM 615643.

Allele frequency attached by ClinVar (database versions not stated): gnomAD 0.00001; ExAC 0.00004; TOPMed 0.00007.
gnomAD v4.1: 15 of 1,612,846 alleles (0.00093%); highest among the groups gnomAD compares: East Asian, 0.0067%; no homozygotes.

Submissions (3):

GeneDx
Classification: Uncertain significance. Last evaluated: 2024-03-27. Review status: criteria provided, single submitter. Criteria: GeneDx Variant Classification Process June 2021. Collection method: clinical testing. Allele origin: germline. Affected: yes.
Comment: In silico analysis supports that this missense variant has a deleterious effect on protein structure/function; Has not been previously published as pathogenic or benign to our knowledge

Ambry Genetics
Classification: Uncertain significance. Last evaluated: 2023-12-21. Review status: criteria provided, single submitter. Criteria: Ambry Variant Classification Scheme 2023. Collection method: clinical testing. Allele origin: germline.

Labcorp Genetics (formerly Invitae), Labcorp
Classification: Uncertain significance for Neurodegeneration with brain iron accumulation 6. Last evaluated: 2022-06-28. Review status: criteria provided, single submitter. Criteria: Invitae Variant Classification Sherloc (09022015). Collection method: clinical testing. Allele origin: germline.
Comment: In summary, the available evidence is currently insufficient to determine the role of this variant in disease. Therefore, it has been classified as a Variant of Uncertain Significance. Algorithms developed to predict the effect of missense changes on protein structure and function (SIFT, PolyPhen-2, Align-GVGD) all suggest that this variant is likely to be disruptive. This variant has not been reported in the literature in individuals affected with COASY-related conditions. This variant is present in population databases (rs774485077, gnomAD 0.02%). This sequence change replaces arginine, which is basic and polar, with cysteine, which is neutral and slightly polar, at codon 337 of the COASY protein (p.Arg337Cys).